The following is an entry in ClinVar:

ClinVar aggregate classification (germline): Uncertain significance (1 of 4 stars; one submission).

Submission:

Labcorp Genetics (formerly Invitae), Labcorp
Classification: Uncertain significance. Last evaluated: 2024-11-11. Review status: criteria provided, single submitter. Criteria: Invitae Variant Classification Sherloc (09022015). Collection method: clinical testing. Allele origin: germline.
Comment: This sequence change replaces threonine, which is neutral and polar, with serine, which is neutral and polar, at codon 632 of the TBCK protein (p.Thr632Ser). This variant is not present in population databases (gnomAD no frequency). This variant has not been reported in the literature in individuals affected with TBCK-related conditions. ClinVar contains an entry for this variant (Variation ID: 1971482). Invitae Evidence Modeling of protein sequence and biophysical properties (such as structural, functional, and spatial information, amino acid conservation, physicochemical variation, residue mobility, and thermodynamic stability) indicates that this missense variant is not expected to disrupt TBCK protein function with a negative predictive value of 80%. Algorithms developed to predict the effect of sequence changes on RNA splicing suggest that this variant may disrupt the consensus splice site. In summary, the available evidence is currently insufficient to determine the role of this variant in disease. Therefore, it has been classified as a Variant of Uncertain Significance.

NM_001163435.3(TBCK):c.1895C>G (p.Thr632Ser)

Gene: TBCK (TBC1 domain containing kinase; minus strand). Cytogenetic location: 4q24.
Variant type: single nucleotide variant.
Coding change: c.1895C>G on transcript NM_001163435.3 (MANE Select); coding-DNA position 1895, C replaced by G.
Protein change: p.Thr632Ser; replaces threonine 632 with serine.
Molecular consequence: missense variant.
Genome position (GRCh38, 1-based): chr4:106,194,720, G>C on the plus strand (C>G on the coding strand, the complement: TBCK is on the minus strand). VCF-style: chr4-106194720-G-C. GRCh37 (hg19) VCF-style: chr4-107115877-G-C.
Other names: c.1895C>G, p.Thr632Ser (NM_001163436.4); c.1778C>G, p.Thr593Ser (NM_001163437.3); c.1379C>G, p.Thr460Ser (NM_001290768.2); c.1706C>G, p.Thr569Ser (NM_033115.5); short protein forms T632S, T593S, T460S, T569S.
Identifiers: ClinVar variation 1971482 (VCV001971482.4), dbSNP rs2477024155, ClinGen allele CA357821514.